The following is an entry in ClinVar:

NM_004357.5(CD151):c.687C>T (p.Gly229=)

Gene: CD151 (CD151 molecule (Raph blood group); plus strand). Cytogenetic location: 11p15.5.
Variant type: single nucleotide variant.
Coding change: c.687C>T on transcript NM_004357.5 (MANE Select); coding-DNA position 687, C replaced by T.
Protein change: p.Gly229=; no amino-acid change (glycine 229 retained).
Molecular consequence: synonymous variant.
Genome position (GRCh38, 1-based): chr11:838,013, C>T. VCF-style: chr11-838013-C-T. GRCh37 (hg19) VCF-style: chr11-838013-C-T.
Other names: c.687C>T, p.Gly229= (NM_001039490.2, NM_139029.2, NM_139030.4).
Identifiers: ClinVar variation 2054590 (VCV002054590.6), dbSNP rs572689402, ClinGen allele CA5792337.

ClinVar aggregate classification (germline): Benign. Review status: criteria provided, single submitter (1 of 4 stars). 2 submissions from 2 submitters: Benign (1). 1 of the submissions does not count toward it. Last evaluated 2026-01-14.

Conditions:
CD151-related disorder. Also called: CD151-related condition.

Allele frequency attached by ClinVar (database versions not stated): TOPMed 0.00014; gnomAD 0.00066; gnomAD exomes 0.00109; ExAC 0.00262; 1000 Genomes Project 30x 0.00547; 1000 Genomes Project 0.00619.
gnomAD v4.1: 1,709 of 1,613,338 alleles (0.11%); highest among the groups gnomAD compares: South Asian, 1.7%; 36 homozygotes.

Submissions (2):

Labcorp Genetics (formerly Invitae), Labcorp
Classification: Benign. Last evaluated: 2026-01-14. Review status: criteria provided, single submitter. Criteria: Invitae Variant Classification Sherloc (09022015). Collection method: clinical testing. Allele origin: germline.

PreventionGenetics, part of Exact Sciences
Classification: Benign for CD151-related condition. Last evaluated: 2023-12-26. Review status: no assertion criteria provided. Collection method: clinical testing. Allele origin: germline. Not counted in ClinVar's aggregate classification.
Comment: This variant is classified as benign based on ACMG/AMP sequence variant interpretation guidelines (Richards et al. 2015 PMID: 25741868, with internal and published modifications).